The following is an entry in ClinVar:

NM_001113378.2(FANCI):c.3645C>A (p.Tyr1215Ter)

Gene: FANCI (FA complementation group I; plus strand). Cytogenetic location: 15q26.1.
Variant type: single nucleotide variant.
Coding change: c.3645C>A on transcript NM_001113378.2 (MANE Select); coding-DNA position 3645, C replaced by A.
Protein change: p.Tyr1215Ter; replaces tyrosine 1215 with a stop codon.
Molecular consequence: nonsense.
Genome position (GRCh38, 1-based): chr15:89,307,666, C>A. VCF-style: chr15-89307666-C-A. GRCh37 (hg19) VCF-style: chr15-89850897-C-A.
Other names: c.3366C>A, p.Tyr1122Ter (NM_001376910.1); c.3645C>A, p.Tyr1215Ter (NM_001376911.1); c.3465C>A, p.Tyr1155Ter (NM_018193.3); short protein forms Y1215*, Y1155*, Y1122*.
Identifiers: ClinVar variation 4749688 (VCV004749688.1).

ClinVar aggregate classification (germline): Pathogenic (1 of 4 stars; one submission).

Conditions:
Fanconi anemia (FA). Also called: Fanconi's anemia. Identifiers: Orphanet 84, MedGen C0015625, MeSH D005199, MONDO:0019391.

Submission:

Labcorp Genetics (formerly Invitae), Labcorp
Classification: Pathogenic for Fanconi anemia. Last evaluated: 2025-04-17. Review status: criteria provided, single submitter. Criteria: Invitae Variant Classification Sherloc (09022015). Collection method: clinical testing. Allele origin: germline.
Comment: This sequence change creates a premature translational stop signal (p.Tyr1215*) in the FANCI gene. It is expected to result in an absent or disrupted protein product. Loss-of-function variants in FANCI are known to be pathogenic (PMID: 17452773, 17460694). This variant is not present in population databases (gnomAD no frequency). This premature translational stop signal has been observed in individual(s) with Neuroblastoma (PMID: 34308104). For these reasons, this variant has been classified as Pathogenic.

Literature cited by the submitters: PubMed 17452773; PubMed 17460694; PubMed 34308104.